The following is an entry in ClinVar:

ClinVar aggregate classification (germline): Conflicting classifications of pathogenicity. Review status: criteria provided, conflicting classifications (1 of 4 stars). 3 submissions from 3 submitters: Uncertain significance (1); Likely benign (2). Last evaluated 2025-11-21.

Conditions:
ABCC2-related disorder. Also called: ABCC2-related condition.

Allele frequency attached by ClinVar (database versions not stated): ExAC 0.00002; gnomAD exomes 0.00002; TOPMed 0.00006; 1000 Genomes Project 30x 0.00031; 1000 Genomes Project 0.00040.
gnomAD v4.1: 40 of 1,614,096 alleles (0.0025%); highest among the groups gnomAD compares: Admixed American, 0.057%; no homozygotes.

Submissions (3):

Labcorp Genetics (formerly Invitae), Labcorp
Classification: Likely benign. Last evaluated: 2025-11-21. Review status: criteria provided, single submitter. Criteria: Invitae Variant Classification Sherloc (09022015). Collection method: clinical testing. Allele origin: germline.

PreventionGenetics, part of Exact Sciences
Classification: Likely benign for ABCC2-related condition. Last evaluated: 2024-10-24. Review status: criteria provided, single submitter. Criteria: ACMG Guidelines, 2015. Collection method: clinical testing. Allele origin: germline.
Comment: This variant is classified as likely benign based on ACMG/AMP sequence variant interpretation guidelines (Richards et al. 2015 PMID: 25741868, with internal and published modifications).

Eurofins Ntd Llc (ga)
Classification: Uncertain significance. Last evaluated: 2016-12-05. Review status: criteria provided, single submitter. Criteria: EGL Classification Definitions 2015. Collection method: clinical testing. Allele origin: germline. Observed: 1 variant allele, 1 heterozygote.

NM_000392.5(ABCC2):c.306C>A (p.Thr102=)

Gene: ABCC2 (ATP binding cassette subfamily C member 2; plus strand). Cytogenetic location: 10q24.2.
Variant type: single nucleotide variant.
Coding change: c.306C>A on transcript NM_000392.5 (MANE Select); coding-DNA position 306, C replaced by A.
Protein change: p.Thr102=; no amino-acid change (threonine 102 retained).
Molecular consequence: synonymous variant.
Genome position (GRCh38, 1-based): chr10:99,792,332, C>A. VCF-style: chr10-99792332-C-A. GRCh37 (hg19) VCF-style: chr10-101552089-C-A.
Other names: c.306C>A, p.Thr102= (LRG_1208t1).
Identifiers: ClinVar variation 498959 (VCV000498959.14), dbSNP rs559908064, ClinGen allele CA5642838.
Genomic context (GRCh38, chr10:99,792,332, plus strand): 5'-GCTGGCCCTTGTACTCACAGAAGACTCTGGACAAGCCACAGTCCCTGCTGTTCGATATAC[C>A]AATCCAAGCCTCTACCTAGGCACATGGGTAAGACCTATACCACTTCTGCCCTGTTTACCT-3'
Protein context (NP_000383.2, residues 92-112): GQATVPAVRY[Thr102=]NPSLYLGTWL